The following is an entry in ClinVar:

NM_001905.4(CTPS1):c.65G>A (p.Ser22Asn)

Gene: CTPS1 (CTP synthase 1; plus strand). Cytogenetic location: 1p34.2.
Variant type: single nucleotide variant.
Coding change: c.65G>A on transcript NM_001905.4 (MANE Select); coding-DNA position 65, G replaced by A.
Protein change: p.Ser22Asn; replaces serine 22 with asparagine.
Molecular consequence: missense variant. On other transcripts: non-coding transcript variant (1).
Genome position (GRCh38, 1-based): chr1:40,983,355, G>A. VCF-style: chr1-40983355-G-A. GRCh37 (hg19) VCF-style: chr1-41449027-G-A.
Other names: short protein forms S22N.
Identifiers: ClinVar variation 4719381 (VCV004719381.1).

ClinVar aggregate classification (germline): Uncertain significance (1 of 4 stars; one submission).

Conditions:
Combined immunodeficiency due to CTPS1 deficiency. Also called: Severe combined immunodeficiency due to CTPS1 deficiency; Immunodeficiency 24. Identifiers: Orphanet 420573, MedGen C4014617, MONDO:0014391, OMIM 615897.

Submission:

Labcorp Genetics (formerly Invitae), Labcorp
Classification: Uncertain significance for Combined immunodeficiency due to CTPS1 deficiency. Last evaluated: 2025-05-11. Review status: criteria provided, single submitter. Criteria: Invitae Variant Classification Sherloc (09022015). Collection method: clinical testing. Allele origin: germline.
Comment: This sequence change replaces serine, which is neutral and polar, with asparagine, which is neutral and polar, at codon 22 of the CTPS1 protein (p.Ser22Asn). This variant is not present in population databases (gnomAD no frequency). This variant has not been reported in the literature in individuals affected with CTPS1-related conditions. An algorithm developed to predict the effect of missense changes on protein structure and function (PolyPhen-2) suggests that this variant is likely to be disruptive. In summary, the available evidence is currently insufficient to determine the role of this variant in disease. Therefore, it has been classified as a Variant of Uncertain Significance.